The following is an entry in ClinVar:

NM_000531.6(OTC):c.115G>T (p.Gly39Cys)

Gene: OTC (ornithine transcarbamylase; plus strand). Cytogenetic location: Xp11.4.
Variant type: single nucleotide variant.
Coding change: c.115G>T on transcript NM_000531.6 (MANE Select); coding-DNA position 115, G replaced by T.
Protein change: p.Gly39Cys; replaces glycine 39 with cysteine.
Molecular consequence: missense variant.
Genome position (GRCh38, 1-based): chrX:38,367,328, G>T. VCF-style: chrX-38367328-G-T. GRCh37 (hg19) VCF-style: chrX-38226581-G-T.
Other names: short protein forms G39C.
Identifiers: ClinVar variation 97106 (VCV000097106.2), dbSNP rs72554306, ClinGen allele CA224453.

ClinVar aggregate classification (germline): Pathogenic (0 of 4 stars; one submission).

Submission:

GenMed Metabolism Lab
Classification: Pathogenic. Review status: no assertion criteria provided. Collection method: not provided. Allele origin: unknown.
Comment: p.Gly39Cys, Late
ClinVar note: Converted during submission from pathogenic to Pathogenic.